The following is an entry in ClinVar:

ClinVar aggregate classification (germline): Uncertain significance (1 of 4 stars; one submission).

Submission:

Labcorp Genetics (formerly Invitae), Labcorp
Classification: Uncertain significance. Last evaluated: 2025-02-15. Review status: criteria provided, single submitter. Criteria: Invitae Variant Classification Sherloc (09022015). Collection method: clinical testing. Allele origin: germline.
Comment: This sequence change replaces serine, which is neutral and polar, with asparagine, which is neutral and polar, at codon 99 of the PDE8B protein (p.Ser99Asn). The frequency data for this variant in the population databases is considered unreliable, as metrics indicate poor data quality at this position in the gnomAD database. This variant has not been reported in the literature in individuals affected with PDE8B-related conditions. An algorithm developed to predict the effect of missense changes on protein structure and function (PolyPhen-2) suggests that this variant is likely to be tolerated. In summary, the available evidence is currently insufficient to determine the role of this variant in disease. Therefore, it has been classified as a Variant of Uncertain Significance.

NM_003719.5(PDE8B):c.296G>A (p.Ser99Asn)

Gene: PDE8B (phosphodiesterase 8B; plus strand). Cytogenetic location: 5q13.3.
Variant type: single nucleotide variant.
Coding change: c.296G>A on transcript NM_003719.5 (MANE Select); coding-DNA position 296, G replaced by A.
Protein change: p.Ser99Asn; replaces serine 99 with asparagine.
Molecular consequence: missense variant. On other transcripts: 5 prime UTR variant (1), intron variant (15).
Genome position (GRCh38, 1-based): chr5:77,211,221, G>A. VCF-style: chr5-77211221-G-A. GRCh37 (hg19) VCF-style: chr5-76507046-G-A.
Other names: c.296G>A, p.Ser99Asn (NM_001029851.4, NM_001029852.4, NM_001029853.4 and 7 more transcripts); c.-74G>A (NM_001349753.2); c.-34+92700G>A (NM_001414622.1, NM_001414623.1); c.36+30735G>A (NM_001349750.3, NM_001376069.1, NM_001376062.1 and 7 more transcripts); c.-34+1175G>A (NM_001376067.1, NM_001376075.1); c.-31+1175G>A (NM_001376068.1); short protein forms S99N.
Identifiers: ClinVar variation 3633752 (VCV003633752.2).